The following is an entry in ClinVar:

NM_144991.3(TSPEAR):c.1435T>G (p.Trp479Gly)

Gene: TSPEAR (thrombospondin type laminin G domain and EAR repeats; minus strand). Cytogenetic location: 21q22.3.
Variant type: single nucleotide variant.
Coding change: c.1435T>G on transcript NM_144991.3 (MANE Select); coding-DNA position 1435, T replaced by G.
Protein change: p.Trp479Gly; replaces tryptophan 479 with glycine.
Molecular consequence: missense variant.
Genome position (GRCh38, 1-based): chr21:44,522,014, A>C on the plus strand (T>G on the coding strand, the complement: TSPEAR is on the minus strand). VCF-style: chr21-44522014-A-C. GRCh37 (hg19) VCF-style: chr21-45941897-A-C.
Other names: c.1231T>G, p.Trp411Gly (NM_001272037.2); short protein forms W411G, W479G.
Identifiers: ClinVar variation 2745870 (VCV002745870.3), dbSNP rs2517363354, ClinGen allele CA410437093.

ClinVar aggregate classification (germline): Uncertain significance (1 of 4 stars; one submission).

Submission:

Labcorp Genetics (formerly Invitae), Labcorp
Classification: Uncertain significance. Last evaluated: 2024-01-11. Review status: criteria provided, single submitter. Criteria: Invitae Variant Classification Sherloc (09022015). Collection method: clinical testing. Allele origin: germline.
Comment: This sequence change replaces tryptophan, which is neutral and slightly polar, with glycine, which is neutral and non-polar, at codon 479 of the TSPEAR protein (p.Trp479Gly). This variant is not present in population databases (gnomAD no frequency). This missense change has been observed in individual(s) with clinical features of ectodermal dysplasia (Invitae). In at least one individual the data is consistent with being in trans (on the opposite chromosome) from a pathogenic variant. Advanced modeling of protein sequence and biophysical properties (such as structural, functional, and spatial information, amino acid conservation, physicochemical variation, residue mobility, and thermodynamic stability) has been performed at Invitae for this missense variant, however the output from this modeling did not meet the statistical confidence thresholds required to predict the impact of this variant on TSPEAR protein function. In summary, the available evidence is currently insufficient to determine the role of this variant in disease. Therefore, it has been classified as a Variant of Uncertain Significance.